The following is an entry in ClinVar:

NM_057175.5(NAA15):c.237T>G (p.Ser79Arg)

Gene: NAA15 (N-alpha-acetyltransferase 15, NatA auxiliary subunit; plus strand). Cytogenetic location: 4q31.1.
Variant type: single nucleotide variant.
Coding change: c.237T>G on transcript NM_057175.5 (MANE Select); coding-DNA position 237, T replaced by G.
Protein change: p.Ser79Arg; replaces serine 79 with arginine.
Molecular consequence: missense variant.
Genome position (GRCh38, 1-based): chr4:139,336,945, T>G. VCF-style: chr4-139336945-T-G. GRCh37 (hg19) VCF-style: chr4-140258099-T-G.
Other names: p.Ser79Arg; c.237T>G, p.Ser79Arg (NM_001410842.1); short protein forms S79R.
Identifiers: ClinVar variation 5016450 (VCV005016450.1).
Genomic context (GRCh38, chr4:139,336,945, plus strand): 5'-GGGGAAAAAGGAAGAAGCTTATGAATTGGTTCGTAGAGGTTTGAGAAATGACTTGAAGAG[T>G]CATGTGTGTATCCTTTTTGAGATATATTTAAGGTTTGAGTGGGGTGTTTTGAGCTAAGGC-3'
Protein context (NP_476516.1, residues 69-89): VRRGLRNDLK[Ser79Arg]HVCWHVYGLL

ClinVar aggregate classification (germline): Uncertain significance (1 of 4 stars; one submission).

Submission:

Department of Molecular Genetics, Istishari Arab Hospital
Classification: Uncertain significance. Last evaluated: 2026-09-15. Review status: criteria provided, single submitter. Criteria: ACMG Guidelines, 2015. Collection method: clinical testing. Allele origin: germline. Inheritance: Autosomal dominant inheritance. Affected: yes.
Comment: The NAA15 variant c.237T>G, p.Ser79Arg creates an amino acid change from Ser to Arg at position 79. The variant is not observed in the gnomAD v4.1.0 dataset and, to the best of our knowledge, has not been previously reported in affected individuals in the literature. It is classified as a variant of uncertain significance according to the recommendations of ACMG/AMP/ClinGen SVI guidelines. More recently, dystonia has emerged as part of the NAA15-associated phenotypic spectrum. An adult patient with NAA15-related dystonia-parkinsonism was reported in 2022 (PMID: 35730864), followed by pediatric cases demonstrating childhood-onset lower-limb/gait dystonia (PMID: 38380600). Most recently, two additional patients with NAA15 variants and isolated childhood-onset gait dystonia were reported, further supporting an association between NAA15 and childhood-onset dystonia (PMID: 42549786).

Literature cited by the submitters: PubMed 35730864; PubMed 38380600; PubMed 42549786.